The following is an entry in ClinVar:

ClinVar aggregate classification (germline): Uncertain significance. Review status: criteria provided, multiple submitters, no conflicts (2 of 4 stars). 2 submissions from 2 submitters: Uncertain significance (2). Last evaluated 2025-10-01.

Conditions:
HUWE1-related disorder. Also called: HUWE1-related condition.
Inborn genetic diseases. Identifiers: MedGen C0950123, MeSH D030342.

gnomAD v4.1: 8 of 1,211,886 alleles (0.00066%); highest among the groups gnomAD compares: South Asian, 0.0018%; no homozygotes.

Submissions (2):

PreventionGenetics, part of Exact Sciences
Classification: Uncertain significance for HUWE1-related condition. Last evaluated: 2025-10-01. Review status: criteria provided, single submitter. Criteria: ACMG Guidelines, 2015. Collection method: clinical testing. Allele origin: germline.
Comment: The HUWE1 c.4841G>T variant is predicted to result in the amino acid substitution p.Ser1614Ile. To our knowledge, this variant has not been reported in the literature or in a large population database (gnomAD), indicating this variant is rare. At this time, the clinical significance of this variant is uncertain due to the absence of conclusive functional and genetic evidence.

Ambry Genetics
Classification: Uncertain significance for Inborn genetic diseases. Last evaluated: 2025-02-07. Review status: criteria provided, single submitter. Criteria: Ambry Variant Classification Scheme 2023. Collection method: clinical testing. Allele origin: germline.

NM_031407.7(HUWE1):c.4841G>T (p.Ser1614Ile)

Gene: HUWE1 (HECT, UBA and WWE domain containing E3 ubiquitin protein ligase 1; minus strand). Cytogenetic location: Xp11.22.
Variant type: single nucleotide variant.
Coding change: c.4841G>T on transcript NM_031407.7 (MANE Select); coding-DNA position 4841, G replaced by T.
Protein change: p.Ser1614Ile; replaces serine 1614 with isoleucine.
Molecular consequence: missense variant.
Genome position (GRCh38, 1-based): chrX:53,585,172, C>A on the plus strand (G>T on the coding strand, the complement: HUWE1 is on the minus strand). VCF-style: chrX-53585172-C-A. GRCh37 (hg19) VCF-style: chrX-53612132-C-A.
Other names: c.4841G>T (NM_031407.4); short protein forms S1614I.
Identifiers: ClinVar variation 2636194 (VCV002636194.3), dbSNP rs2063797062, ClinGen allele CA413175296.